The following is an entry in ClinVar:

ClinVar aggregate classification (germline): Likely benign. Review status: criteria provided, multiple submitters, no conflicts (2 of 4 stars). 4 submissions from 4 submitters: Likely benign (4). Last evaluated 2025-11-01.

Conditions:
Progressive myoclonic epilepsy. Also called: Progressive myoclonus epilepsy; Myoclonus epilepsy; Familial progressive myoclonic epilepsy; Myoclonic Epilepsies, Progressive. Identifiers: Orphanet 308, Orphanet 98261, MedGen C0751778, MONDO:0020074.

Allele frequency attached by ClinVar (database versions not stated): gnomAD exomes 0.00001; gnomAD 0.00002; TOPMed 0.00002.
gnomAD v4.1: 15 of 1,613,920 alleles (0.00093%); highest among the groups gnomAD compares: African/African-American, 0.004%; no homozygotes.

Submissions (4):

CeGaT Center for Human Genetics Tuebingen
Classification: Likely benign. Last evaluated: 2025-11-01. Review status: criteria provided, single submitter. Criteria: CeGaT Center For Human Genetics Tuebingen Variant Classification Criteria Version 2. Collection method: clinical testing. Allele origin: germline. Affected: yes. Observed: 1 variant allele.
Comment: GOSR2: BP4, BP7

Labcorp Genetics (formerly Invitae), Labcorp
Classification: Likely benign for Progressive myoclonic epilepsy. Last evaluated: 2025-04-10. Review status: criteria provided, single submitter. Criteria: Invitae Variant Classification Sherloc (09022015). Collection method: clinical testing. Allele origin: germline.

Blueprint Genetics
Classification: Likely benign. Last evaluated: 2022-07-06. Review status: criteria provided, single submitter. Criteria: ACMG Guidelines, 2015. Collection method: clinical testing. Allele origin: germline.

GeneDx
Classification: Likely benign. Last evaluated: 2016-10-21. Review status: criteria provided, single submitter. Criteria: GeneDx Variant Classification (06012015). Collection method: clinical testing. Allele origin: germline. Affected: yes.
Comment: This variant is considered likely benign or benign based on one or more of the following criteria: it is a conservative change, it occurs at a poorly conserved position in the protein, it is predicted to be benign by multiple in silico algorithms, and/or has population frequency not consistent with disease.

NM_004287.5(GOSR2):c.546C>T (p.Ile182=)

Genes: GOSR2 (golgi SNAP receptor complex member 2; plus strand), LRRC37A2 (leucine rich repeat containing 37 member A2). Cytogenetic location: 17q21.32.
Variant type: single nucleotide variant.
Coding change: c.546C>T on transcript NM_004287.5 (MANE Select); coding-DNA position 546, C replaced by T.
Protein change: p.Ile182=; no amino-acid change (isoleucine 182 retained).
Molecular consequence: synonymous variant. On other transcripts: non-coding transcript variant (3).
Genome position (GRCh38, 1-based): chr17:46,938,667, C>T. VCF-style: chr17-46938667-C-T. GRCh37 (hg19) VCF-style: chr17-45016033-C-T.
Other names: c.546C>T, p.Ile182= (NM_001321133.2, NM_054022.4); c.351C>T, p.Ile117= (NM_001321134.2); c.405C>T, p.Ile135= (NM_001330252.2); c.543C>T, p.Ile181= (NM_001353114.2); c.402C>T, p.Ile134= (NM_001353115.2, NM_001353116.2); c.492C>T, p.Ile164= (NM_001363851.2).
Identifiers: ClinVar variation 379508 (VCV000379508.17), dbSNP rs1023140976, ClinGen allele CA16607333.